The following is an entry in ClinVar:

NM_002439.5(MSH3):c.2938G>A (p.Gly980Arg)

Gene: MSH3 (mutS homolog 3; plus strand). Cytogenetic location: 5q14.1.
Variant type: single nucleotide variant.
Coding change: c.2938G>A on transcript NM_002439.5 (MANE Select); coding-DNA position 2938, G replaced by A.
Protein change: p.Gly980Arg; replaces glycine 980 with arginine.
Molecular consequence: missense variant.
Genome position (GRCh38, 1-based): chr5:80,854,254, G>A. VCF-style: chr5-80854254-G-A. GRCh37 (hg19) VCF-style: chr5-80150073-G-A.
Other names: c.2938G>A (NM_002439.3); short protein forms G980R.
Identifiers: ClinVar variation 2100923 (VCV002100923.5), dbSNP rs1405849573, ClinGen allele CA360275729.
Genomic context (GRCh38, chr5:80,854,254, plus strand): 5'-GCAGAAATAATCAGAAAAGCAACATCACAGTCCTTGGTTATCTTGGATGAACTAGGAAGA[G>A]GGACGAGCACTCATGATGGAATTGCCATTGCCTATGCTACACTTGAGTATTTCATCAGAG-3'
Protein context (NP_002430.3, residues 970-990): SLVILDELGR[Gly980Arg]TSTHDGIAIA

ClinVar aggregate classification (germline): Uncertain significance. Review status: criteria provided, multiple submitters, no conflicts (2 of 4 stars). 2 submissions from 2 submitters: Uncertain significance (2). Last evaluated 2025-06-27.

Conditions:
Hereditary cancer-predisposing syndrome. Also called: Hereditary Cancer Syndrome; Tumor predisposition; Neoplastic Syndromes, Hereditary; Hereditary neoplastic syndrome. Identifiers: Orphanet 140162, MedGen C0027672, MeSH D009386, MONDO:0015356.

gnomAD v4.1: 1 of 1,613,972 alleles (0.000062%); highest among the groups gnomAD compares: Non-Finnish European, 0.000085%; no homozygotes.

Submissions (2):

Ambry Genetics
Classification: Uncertain significance for Hereditary cancer-predisposing syndrome. Last evaluated: 2025-06-27. Review status: criteria provided, single submitter. Criteria: Ambry Variant Classification Scheme 2023. Collection method: clinical testing. Allele origin: germline.
Comment: The p.G980R variant (also known as c.2938G>A), located in coding exon 21 of the MSH3 gene, results from a G to A substitution at nucleotide position 2938. The glycine at codon 980 is replaced by arginine, an amino acid with dissimilar properties. This amino acid position is conserved. In addition, this alteration is predicted to be deleterious by in silico analysis. Based on the available evidence, the clinical significance of this variant remains unclear.

Labcorp Genetics (formerly Invitae), Labcorp
Classification: Uncertain significance. Last evaluated: 2022-02-21. Review status: criteria provided, single submitter. Criteria: Invitae Variant Classification Sherloc (09022015). Collection method: clinical testing. Allele origin: germline.
Comment: This sequence change replaces glycine, which is neutral and non-polar, with arginine, which is basic and polar, at codon 980 of the MSH3 protein (p.Gly980Arg). This variant is not present in population databases (gnomAD no frequency). This variant has not been reported in the literature in individuals affected with MSH3-related conditions. Algorithms developed to predict the effect of missense changes on protein structure and function are either unavailable or do not agree on the potential impact of this missense change (SIFT: "Deleterious"; PolyPhen-2: "Probably Damaging"; Align-GVGD: "Class C0"). In summary, the available evidence is currently insufficient to determine the role of this variant in disease. Therefore, it has been classified as a Variant of Uncertain Significance.